The following is an entry in ClinVar:

NM_182961.4(SYNE1):c.4625G>A (p.Cys1542Tyr)

Gene: SYNE1 (spectrin repeat containing nuclear envelope protein 1; minus strand). Cytogenetic location: 6q25.2.
Variant type: single nucleotide variant.
Coding change: c.4625G>A on transcript NM_182961.4 (MANE Select); coding-DNA position 4625, G replaced by A.
Protein change: p.Cys1542Tyr; replaces cysteine 1542 with tyrosine.
Molecular consequence: missense variant.
Genome position (GRCh38, 1-based): chr6:152,430,546, C>T on the plus strand (G>A on the coding strand, the complement: SYNE1 is on the minus strand). VCF-style: chr6-152430546-C-T. GRCh37 (hg19) VCF-style: chr6-152751681-C-T.
Other names: c.4646G>A, p.Cys1549Tyr (NM_033071.5); short protein forms C1542Y, C1549Y.
Identifiers: ClinVar variation 904394 (VCV000904394.12), dbSNP rs1487588055, ClinGen allele CA366142411.

ClinVar aggregate classification (germline): Uncertain significance. Review status: criteria provided, multiple submitters, no conflicts (2 of 4 stars). 3 submissions from 2 submitters: Uncertain significance (3). Last evaluated 2022-11-15.

Conditions:
Emery-Dreifuss muscular dystrophy 4, autosomal dominant (EDMD4). Also called: EMERY-DREIFUSS MUSCULAR DYSTROPHY 4 WITH VARIABLE FEATURES. Identifiers: Orphanet 261, MedGen C2751807, MONDO:0013071, OMIM 612998.
Autosomal recessive ataxia, Beauce type. Also called: ATAXIA, RECESSIVE, OF BEAUCE; SYNE1 Deficiency; SYNE1-Related Autosomal Recessive Cerebellar Ataxia; Spinocerebellar ataxia, autosomal recessive 8. Identifiers: Orphanet 88644, MedGen C1853116, MONDO:0012549, OMIM 610743.

gnomAD v4.1: 3 of 1,614,132 alleles (0.00019%); highest among the groups gnomAD compares: South Asian, 0.0011%; no homozygotes.

Submissions (3):

Labcorp Genetics (formerly Invitae), Labcorp
Classification: Uncertain significance for Emery-Dreifuss muscular dystrophy 4, autosomal dominant; Autosomal recessive ataxia, Beauce type. Last evaluated: 2022-11-15. Review status: criteria provided, single submitter. Criteria: Invitae Variant Classification Sherloc (09022015). Collection method: clinical testing. Allele origin: germline.
Comment: In summary, the available evidence is currently insufficient to determine the role of this variant in disease. Therefore, it has been classified as a Variant of Uncertain Significance. Algorithms developed to predict the effect of missense changes on protein structure and function (SIFT, PolyPhen-2, Align-GVGD) all suggest that this variant is likely to be tolerated. ClinVar contains an entry for this variant (Variation ID: 904394). This variant has not been reported in the literature in individuals affected with SYNE1-related conditions. This variant is not present in population databases (gnomAD no frequency). This sequence change replaces cysteine, which is neutral and slightly polar, with tyrosine, which is neutral and polar, at codon 1549 of the SYNE1 protein (p.Cys1549Tyr).

Illumina Laboratory Services, Illumina
Classification: Uncertain significance for Emery-Dreifuss muscular dystrophy 4, autosomal dominant. Last evaluated: 2018-01-13. Review status: criteria provided, single submitter. Criteria: ICSL Variant Classification Criteria 13 December 2019. Collection method: clinical testing. Allele origin: germline.

Illumina Laboratory Services, Illumina
Classification: Uncertain significance for Autosomal recessive ataxia, Beauce type. Last evaluated: 2018-01-13. Review status: criteria provided, single submitter. Criteria: ICSL Variant Classification Criteria 13 December 2019. Collection method: clinical testing. Allele origin: germline.